The following is an entry in ClinVar:

ClinVar aggregate classification (germline): Likely pathogenic. Review status: criteria provided, multiple submitters, no conflicts (2 of 4 stars). 2 submissions from 2 submitters: Likely pathogenic (2). Last evaluated 2026-02-20.

Conditions:
Aicardi-Goutieres syndrome 2. Identifiers: Orphanet 51, MedGen C3489724, MONDO:0012429, OMIM 610181.

gnomAD v4.1: 4 of 1,597,610 alleles (0.00025%); highest among the groups gnomAD compares: Non-Finnish European, 0.00034%; no homozygotes.

Submissions (2):

Myriad Genetics, Inc.
Classification: Likely pathogenic for Aicardi-Goutieres syndrome 2. Last evaluated: 2026-02-20. Review status: criteria provided, single submitter. Criteria: Myriad Autosomal Dominant, Autosomal Recessive and X-Linked Classification Criteria (2023). Collection method: clinical testing. Allele origin: unknown.
Comment: NM_024570.3(RNASEH2B):c.436+1G>A is a variant in a canonical splice site classified as likely pathogenic in the context of Aicardi-Goutires syndrome, RNASEH2B-related. c.436+1G>A has not been observed in cases with relevant disease. Relevant functional assessments of this variant are not available in the literature. c.436+1G>A has not been observed in referenced population frequency databases. In summary, NM_024570.3(RNASEH2B):c.436+1G>A is a variant in a canonical splice site in a gene where loss of function is a known mechanism of disease and is predicted to disrupt protein function. Please note: this variant was assessed in the context of healthy population screening.

Labcorp Genetics (formerly Invitae), Labcorp
Classification: Likely pathogenic for Aicardi-Goutieres syndrome 2. Last evaluated: 2025-09-16. Review status: criteria provided, single submitter. Criteria: Invitae Variant Classification Sherloc (09022015). Collection method: clinical testing. Allele origin: germline.
Comment: This sequence change affects a donor splice site in intron 5 of the RNASEH2B gene. It is expected to disrupt RNA splicing. Variants that disrupt the donor or acceptor splice site typically lead to a loss of protein function (PMID: 16199547), and loss-of-function variants in RNASEH2B are known to be pathogenic (PMID: 17846997). This variant is not present in population databases (gnomAD no frequency). Disruption of this splice site has been observed in individual(s) with clinical features of Aicardi Goutieres syndrome (PMID: 17846997). ClinVar contains an entry for this variant (Variation ID: 1513798). Algorithms developed to predict the effect of sequence changes on RNA splicing suggest that this variant may disrupt the consensus splice site. In summary, the currently available evidence indicates that the variant is pathogenic, but additional data are needed to prove that conclusively. Therefore, this variant has been classified as Likely Pathogenic.

Literature cited by the submitters: PubMed 16199547 (cited by Labcorp Genetics (formerly Invitae), Labcorp); PubMed 17846997 (cited by Labcorp Genetics (formerly Invitae), Labcorp).

NM_024570.4(RNASEH2B):c.436+1G>A

Gene: RNASEH2B (ribonuclease H2 subunit B; plus strand). Cytogenetic location: 13q14.3.
Variant type: single nucleotide variant.
Coding change: c.436+1G>A on transcript NM_024570.4 (MANE Select); the canonical splice donor site of the intron after coding-DNA position 436, G replaced by A.
Molecular consequence: splice donor variant.
Genome position (GRCh38, 1-based): chr13:50,935,000, G>A. VCF-style: chr13-50935000-G-A. GRCh37 (hg19) VCF-style: chr13-51509136-G-A.
Other names: c.436+1G>A (NM_001142279.2, NM_001411023.1).
Identifiers: ClinVar variation 1513798 (VCV001513798.8), dbSNP rs80087649, ClinGen allele CA388259343.